The following is an entry in ClinVar:

ClinVar aggregate classification (germline): Uncertain significance (1 of 4 stars; one submission).

Conditions:
Tietz syndrome (TADS). Also called: ALBINISM-DEAFNESS OF TIETZ; HYPOPIGMENTATION/DEAFNESS OF TIETZ; TIETZ ALBINISM-DEAFNESS SYNDROME. Identifiers: Orphanet 42665, MedGen C0391816, MONDO:0007077, OMIM 103500.
Waardenburg syndrome type 2A (WS2A). Also called: WAARDENBURG SYNDROME WITHOUT DYSTOPIA CANTHORUM. Identifiers: Orphanet 3440, MedGen C1860339, MONDO:0008671, OMIM 193510.
Melanoma, cutaneous malignant, susceptibility to, 8. Also called: MELANOMA AND RENAL CELL CARCINOMA, SUSCEPTIBILITY TO; Cutaneous malignant melanoma 8. Identifiers: Orphanet 293822, MedGen C3152204, MONDO:0013759, OMIM 614456.

Allele frequency attached by ClinVar (database versions not stated): gnomAD exomes below 0.00001; TOPMed below 0.00001; ExAC 0.00001; gnomAD 0.00001; ESP Exome Variant Server 0.00008.
gnomAD v4.1: 6 of 1,613,774 alleles (0.00037%); highest among the groups gnomAD compares: East Asian, 0.0022%; no homozygotes.

Submission:

Labcorp Genetics (formerly Invitae), Labcorp
Classification: Uncertain significance for Melanoma, cutaneous malignant, susceptibility to, 8; Waardenburg syndrome type 2A; Tietz syndrome. Last evaluated: 2024-06-15. Review status: criteria provided, single submitter. Criteria: Invitae Variant Classification Sherloc (09022015). Collection method: clinical testing. Allele origin: germline.
Comment: This sequence change replaces glutamic acid, which is acidic and polar, with lysine, which is basic and polar, at codon 287 of the MITF protein (p.Glu287Lys). This variant is present in population databases (rs148242520, gnomAD 0.0009%). This variant has not been reported in the literature in individuals affected with MITF-related conditions. An algorithm developed to predict the effect of missense changes on protein structure and function (PolyPhen-2) suggests that this variant is likely to be disruptive. Algorithms developed to predict the effect of sequence changes on RNA splicing suggest that this variant may disrupt the consensus splice site. In summary, the available evidence is currently insufficient to determine the role of this variant in disease. Therefore, it has been classified as a Variant of Uncertain Significance.

NM_001354604.2(MITF):c.1180G>A (p.Glu394Lys)

Gene: MITF (melanocyte inducing transcription factor; plus strand). Cytogenetic location: 3p13.
Variant type: single nucleotide variant.
Coding change: c.1180G>A on transcript NM_001354604.2 (MANE Select); coding-DNA position 1180, G replaced by A.
Protein change: p.Glu394Lys; replaces glutamic acid 394 with lysine.
Molecular consequence: missense variant.
Genome position (GRCh38, 1-based): chr3:69,964,847, G>A. VCF-style: chr3-69964847-G-A. GRCh37 (hg19) VCF-style: chr3-70013998-G-A.
Other names: c.859G>A, p.Glu287Lys (NM_000248.4); c.1006G>A, p.Glu336Lys (NM_001184967.2, NM_001354608.2); c.1177G>A, p.Glu393Lys (NM_001354605.2); c.1159G>A, p.Glu387Lys (NM_001354606.2, NM_006722.3); c.1111G>A, p.Glu371Lys (NM_001354607.2); c.841G>A, p.Glu281Lys (NM_198158.3); c.1162G>A, p.Glu388Lys (NM_198159.3); c.1114G>A, p.Glu372Lys (NM_198177.3); and 1 more; short protein forms E372K, E388K, E225K, E281K, E336K, E387K, E393K, E287K.
Identifiers: ClinVar variation 2939207 (VCV002939207.3), dbSNP rs148242520, ClinGen allele CA2490620.